The following is an entry in ClinVar:

NM_006005.3(WFS1):c.1671C>T (p.Leu557=)

Gene: WFS1 (wolframin ER transmembrane glycoprotein; plus strand). Cytogenetic location: 4p16.1.
Variant type: single nucleotide variant.
Coding change: c.1671C>T on transcript NM_006005.3 (MANE Select); coding-DNA position 1671, C replaced by T.
Protein change: p.Leu557=; no amino-acid change (leucine 557 retained).
Molecular consequence: synonymous variant.
Genome position (GRCh38, 1-based): chr4:6,301,466, C>T. VCF-style: chr4-6301466-C-T. GRCh37 (hg19) VCF-style: chr4-6303193-C-T.
Other names: c.1671C>T, p.Leu557= (NM_001145853.1).
Identifiers: ClinVar variation 4534636 (VCV004534636.6).

ClinVar aggregate classification (germline): Likely benign (1 of 4 stars; one submission).

gnomAD v4.1: 15 of 1,612,696 alleles (0.00093%); highest among the groups gnomAD compares: South Asian, 0.0088%; no homozygotes.

Submission:

CeGaT Center for Human Genetics Tuebingen
Classification: Likely benign. Last evaluated: 2025-10-01. Review status: criteria provided, single submitter. Criteria: CeGaT Center For Human Genetics Tuebingen Variant Classification Criteria Version 2. Collection method: clinical testing. Allele origin: germline. Affected: yes. Observed: 1 variant allele.
Comment: WFS1: BP4, BP7